The following is an entry in ClinVar:

ClinVar aggregate classification (germline): Uncertain significance (1 of 4 stars; one submission).

Allele frequency attached by ClinVar (database versions not stated): ExAC 0.00001; gnomAD exomes 0.00001; TOPMed 0.00001.
gnomAD v4.1: 6 of 1,613,736 alleles (0.00037%); highest among the groups gnomAD compares: East Asian, 0.0089%; no homozygotes.

Submission:

Labcorp Genetics (formerly Invitae), Labcorp
Classification: Uncertain significance. Last evaluated: 2021-12-27. Review status: criteria provided, single submitter. Criteria: Invitae Variant Classification Sherloc (09022015). Collection method: clinical testing. Allele origin: germline.
Comment: In summary, the available evidence is currently insufficient to determine the role of this variant in disease. Therefore, it has been classified as a Variant of Uncertain Significance. This sequence change replaces arginine, which is basic and polar, with tryptophan, which is neutral and slightly polar, at codon 54 of the MPC1 protein (p.Arg54Trp). This variant is present in population databases (rs753601697, gnomAD 0.007%). This variant has not been reported in the literature in individuals affected with MPC1-related conditions. Algorithms developed to predict the effect of missense changes on protein structure and function are either unavailable or do not agree on the potential impact of this missense change (SIFT: "Deleterious"; PolyPhen-2: "Benign"; Align-GVGD: "Class C0").

NM_016098.4(MPC1):c.160C>T (p.Arg54Trp)

Gene: MPC1 (mitochondrial pyruvate carrier 1; minus strand). Cytogenetic location: 6q27.
Variant type: single nucleotide variant.
Coding change: c.160C>T on transcript NM_016098.4 (MANE Select); coding-DNA position 160, C replaced by T.
Protein change: p.Arg54Trp; replaces arginine 54 with tryptophan.
Molecular consequence: missense variant. On other transcripts: non-coding transcript variant (5).
Genome position (GRCh38, 1-based): chr6:166,366,807, G>A on the plus strand (C>T on the coding strand, the complement: MPC1 is on the minus strand). VCF-style: chr6-166366807-G-A. GRCh37 (hg19) VCF-style: chr6-166780295-G-A.
Other names: c.31C>T, p.Arg11Trp (NM_001270879.2, NM_001376565.1, NM_001376566.1 and 2 more transcripts); c.160C>T, p.Arg54Trp (NM_001376569.1); short protein forms R11W, R54W.
Identifiers: ClinVar variation 1913286 (VCV001913286.5), dbSNP rs753601697, ClinGen allele CA4093648.
Genomic context (GRCh38, chr6:166,366,807, plus strand): 5'-CTCTACTATGTTGAAAGTCCTCCCAATTATCCAAATCTGCATTCTTACCAAATGTCATCC[G>A]CCCACTGATAATCTCTGGAGACTTTTTCATATCATTGATGGCAGCAATGGGAAGACCCCA-3'
Protein context (NP_057182.1, residues 44-64): MKKSPEIISG[Arg54Trp]MTFALCCYSL